The following is an entry in ClinVar:

NM_003737.4(DCHS1):c.3119G>A (p.Gly1040Glu)

Gene: DCHS1 (dachsous cadherin-related 1; minus strand). Cytogenetic location: 11p15.4.
Variant type: single nucleotide variant.
Coding change: c.3119G>A on transcript NM_003737.4 (MANE Select); coding-DNA position 3119, G replaced by A.
Protein change: p.Gly1040Glu; replaces glycine 1040 with glutamic acid.
Molecular consequence: missense variant.
Genome position (GRCh38, 1-based): chr11:6,632,393, C>T on the plus strand (G>A on the coding strand, the complement: DCHS1 is on the minus strand). VCF-style: chr11-6632393-C-T. GRCh37 (hg19) VCF-style: chr11-6653624-C-T.
Other names: short protein forms G1040E.
Identifiers: ClinVar variation 2128546 (VCV002128546.4), dbSNP rs1855924524, ClinGen allele CA379417163.

ClinVar aggregate classification (germline): Uncertain significance (1 of 4 stars; one submission).

Allele frequency attached by ClinVar (database versions not stated): gnomAD exomes below 0.00001.
gnomAD v4.1: 1 of 1,613,840 alleles (0.000062%); highest among the groups gnomAD compares: East Asian, 0.0022%; no homozygotes.

Submission:

Labcorp Genetics (formerly Invitae), Labcorp
Classification: Uncertain significance. Last evaluated: 2022-04-20. Review status: criteria provided, single submitter. Criteria: Invitae Variant Classification Sherloc (09022015). Collection method: clinical testing. Allele origin: germline.
Comment: This sequence change replaces glycine, which is neutral and non-polar, with glutamic acid, which is acidic and polar, at codon 1040 of the DCHS1 protein (p.Gly1040Glu). This variant is not present in population databases (gnomAD no frequency). This variant has not been reported in the literature in individuals affected with DCHS1-related conditions. Advanced modeling of protein sequence and biophysical properties (such as structural, functional, and spatial information, amino acid conservation, physicochemical variation, residue mobility, and thermodynamic stability) performed at Invitae indicates that this missense variant is not expected to disrupt DCHS1 protein function. In summary, the available evidence is currently insufficient to determine the role of this variant in disease. Therefore, it has been classified as a Variant of Uncertain Significance.